The following is an entry in ClinVar:

ClinVar aggregate classification (germline): Benign/Likely benign. Review status: criteria provided, multiple submitters, no conflicts (2 of 4 stars). 4 submissions from 4 submitters: Benign (3); Likely benign (1). Last evaluated 2025-12-19.

Allele frequency attached by ClinVar (database versions not stated): 1000 Genomes Project 30x 0.00219; 1000 Genomes Project 0.00220; gnomAD 0.00285 and 0.00304; TOPMed 0.00296; gnomAD exomes 0.00332 and 0.00520; ExAC 0.00734.
gnomAD v4.1: 5,123 of 1,537,122 alleles (0.33%); highest among the groups gnomAD compares: Middle Eastern, 1.4%; 31 homozygotes.

Submissions (4):

Labcorp Genetics (formerly Invitae), Labcorp
Classification: Benign. Last evaluated: 2025-12-19. Review status: criteria provided, single submitter. Criteria: Invitae Variant Classification Sherloc (09022015). Collection method: clinical testing. Allele origin: germline.

CeGaT Center for Human Genetics Tuebingen
Classification: Likely benign. Last evaluated: 2025-02-01. Review status: criteria provided, single submitter. Criteria: CeGaT Center For Human Genetics Tuebingen Variant Classification Criteria Version 2. Collection method: clinical testing. Allele origin: germline. Affected: yes. Observed: 6 variant alleles.
Comment: RNF213: BP4, BP7, BS2

Mayo Clinic Laboratories, Mayo Clinic
Classification: Benign. Last evaluated: 2024-12-20. Review status: criteria provided, single submitter. Criteria: ACMG Guidelines, 2015. Collection method: clinical testing. Allele origin: germline. Observed: 1 variant allele.
Comment: BS1, BS2, BP4, BP7

Breakthrough Genomics
Classification: Benign. Review status: criteria provided, single submitter. Criteria: ACMG Guidelines, 2015. Collection method: not provided. Allele origin: germline. Inheritance: Autosomal dominant inheritance. Affected: yes.

NM_001256071.3(RNF213):c.3780C>T (p.Pro1260=)

Gene: RNF213 (ring finger protein 213; plus strand). Cytogenetic location: 17q25.3.
Variant type: single nucleotide variant.
Coding change: c.3780C>T on transcript NM_001256071.3 (MANE Select); coding-DNA position 3780, C replaced by T.
Protein change: p.Pro1260=; no amino-acid change (proline 1260 retained).
Molecular consequence: synonymous variant.
Genome position (GRCh38, 1-based): chr17:80,332,268, C>T. VCF-style: chr17-80332268-C-T. GRCh37 (hg19) VCF-style: chr17-78306068-C-T.
Other names: p.Pro1260=.
Identifiers: ClinVar variation 787649 (VCV000787649.34), dbSNP rs139471994, ClinGen allele CA8820205.